The following is an entry in ClinVar:

NM_001142800.2(EYS):c.5782A>G (p.Asn1928Asp)

Gene: EYS (eyes shut homolog; minus strand). Cytogenetic location: 6q12.
Variant type: single nucleotide variant.
Coding change: c.5782A>G on transcript NM_001142800.2 (MANE Select); coding-DNA position 5782, A replaced by G.
Protein change: p.Asn1928Asp; replaces asparagine 1928 with aspartic acid.
Molecular consequence: missense variant.
Genome position (GRCh38, 1-based): chr6:64,439,215, T>C on the plus strand (A>G on the coding strand, the complement: EYS is on the minus strand). VCF-style: chr6-64439215-T-C. GRCh37 (hg19) VCF-style: chr6-65149108-T-C.
Other names: c.5782A>G, p.Asn1928Asp (NM_001292009.2); short protein forms N1928D.
Identifiers: ClinVar variation 1008155 (VCV001008155.7), dbSNP rs1432152673, ClinGen allele CA364392619.

ClinVar aggregate classification (germline): Uncertain significance. Review status: criteria provided, single submitter (1 of 4 stars). 2 submissions from 2 submitters: Uncertain significance (1). 1 of the submissions does not count toward it. Last evaluated 2021-08-26.

Conditions:
Retinitis pigmentosa 25 (RP25). Identifiers: Orphanet 791, MedGen C1864446, MONDO:0011272, OMIM 602772.

Allele frequency attached by ClinVar (database versions not stated): gnomAD exomes below 0.00001.
gnomAD v4.1: 2 of 1,481,712 alleles (0.00013%); highest among the groups gnomAD compares: Admixed American, 0.0025%; no homozygotes.

Submissions (2):

Labcorp Genetics (formerly Invitae), Labcorp
Classification: Uncertain significance. Last evaluated: 2021-08-26. Review status: criteria provided, single submitter. Criteria: Invitae Variant Classification Sherloc (09022015). Collection method: clinical testing. Allele origin: germline.
Comment: This sequence change replaces asparagine with aspartic acid at codon 1928 of the EYS protein (p.Asn1928Asp). The asparagine residue is weakly conserved and there is a small physicochemical difference between asparagine and aspartic acid. This variant is not present in population databases (ExAC no frequency). This variant has not been reported in the literature in individuals affected with EYS-related conditions. Algorithms developed to predict the effect of missense changes on protein structure and function output the following: SIFT: "Tolerated"; PolyPhen-2: "Benign"; Align-GVGD: "Class C0". The aspartic acid amino acid residue is found in multiple mammalian species, which suggests that this missense change does not adversely affect protein function. In summary, the available evidence is currently insufficient to determine the role of this variant in disease. Therefore, it has been classified as a Variant of Uncertain Significance.

Natera, Inc.
Classification: Uncertain significance for Retinitis pigmentosa type 25. Last evaluated: 2020-11-16. Review status: no assertion criteria provided. Collection method: clinical testing. Allele origin: germline. Not counted in ClinVar's aggregate classification.